The following is an entry in ClinVar:

ClinVar aggregate classification (germline): Uncertain significance (1 of 4 stars; one submission).

Submission:

Women's Health and Genetics/Laboratory Corporation of America, LabCorp
Classification: Uncertain significance. Last evaluated: 2026-03-02. Review status: criteria provided, single submitter. Criteria: LabCorp Variant Classification Summary - May 2015. Collection method: clinical testing. Allele origin: germline.
Comment: Variant summary: B4GALT7 c.195G>T results in a synonymous change. Several computational tools predict a significant impact on normal splicing: Five predict the variant creates or strengthens a cryptic 5' donor site. However, these predictions have yet to be confirmed by functional studies. The variant was absent in 240116 control chromosomes. The available data on variant occurrences in the general population are insufficient to allow any conclusion about variant significance. To our knowledge, no occurrence of c.195G>T in individuals affected with B4GALT7-related conditions and no experimental evidence demonstrating its impact on protein function have been reported. No submitters have cited clinical-significance assessments for this variant to ClinVar. Based on the evidence outlined above, the variant was classified as uncertain significance.

NM_007255.3(B4GALT7):c.195G>T (p.Gly65=)

Gene: B4GALT7 (beta-1,4-galactosyltransferase 7; plus strand). Cytogenetic location: 5q35.3.
Variant type: single nucleotide variant.
Coding change: c.195G>T on transcript NM_007255.3 (MANE Select); coding-DNA position 195, G replaced by T.
Protein change: p.Gly65=; no amino-acid change (glycine 65 retained).
Molecular consequence: synonymous variant.
Genome position (GRCh38, 1-based): chr5:177,604,323, G>T. VCF-style: chr5-177604323-G-T. GRCh37 (hg19) VCF-style: chr5-177031324-G-T.
Identifiers: ClinVar variation 4847573 (VCV004847573.1).